The following is an entry in ClinVar:

ClinVar aggregate classification (germline): Uncertain significance (1 of 4 stars; one submission).

gnomAD v4.1: 4 of 1,612,910 alleles (0.00025%); highest among the groups gnomAD compares: South Asian, 0.0044%; no homozygotes.

Submission:

GeneDx
Classification: Uncertain significance. Last evaluated: 2023-11-22. Review status: criteria provided, single submitter. Criteria: GeneDx Variant Classification Process June 2021. Collection method: clinical testing. Allele origin: germline. Affected: yes.
Comment: Observed in large population cohorts (gnomAD; internal data); In silico analysis supports that this missense variant has a deleterious effect on protein structure/function; Has not been previously published as pathogenic or benign to our knowledge

NM_182961.4(SYNE1):c.1678T>C (p.Tyr560His)

Gene: SYNE1 (spectrin repeat containing nuclear envelope protein 1; minus strand). Cytogenetic location: 6q25.2.
Variant type: single nucleotide variant.
Coding change: c.1678T>C on transcript NM_182961.4 (MANE Select); coding-DNA position 1678, T replaced by C.
Protein change: p.Tyr560His; replaces tyrosine 560 with histidine.
Molecular consequence: missense variant.
Genome position (GRCh38, 1-based): chr6:152,466,033, A>G on the plus strand (T>C on the coding strand, the complement: SYNE1 is on the minus strand). VCF-style: chr6-152466033-A-G. GRCh37 (hg19) VCF-style: chr6-152787168-A-G.
Other names: c.1699T>C, p.Tyr567His (NM_033071.5); short protein forms Y560H, Y567H.
Identifiers: ClinVar variation 3364342 (VCV003364342.1).